The following is an entry in ClinVar:

ClinVar aggregate classification (germline): Conflicting classifications of pathogenicity. Review status: criteria provided, conflicting classifications (1 of 4 stars). 6 submissions from 6 submitters: Uncertain significance (3); Likely benign (1). 2 of the submissions do not count toward it. Last evaluated 2025-05-06.

Conditions:
Connective tissue disorder. Also called: Connective tissue disease. Identifiers: MedGen C0009782, MONDO:0003900.
Rhizomelic chondrodysplasia punctata type 1 (RCDP1). Also called: PEROXISOME BIOGENESIS DISORDER 9; CHONDRODYSTROPHIA CALCIFICANS PUNCTATA; PEX7-Related Rhizomelic Chondrodysplasia Punctata. Identifiers: Orphanet 177, Orphanet 309789, MedGen C1859133, MONDO:0008972, OMIM 215100. Disease mechanism: loss of function.
PEX7-related disorder. Also called: PEX7-related condition; PEX7-related disorders. Identifiers: MedGen CN239409.
Inborn genetic diseases. Identifiers: MedGen C0950123, MeSH D030342.
Peroxisome biogenesis disorder 9B. Also called: PEROXISOME BIOGENESIS DISORDER, PEX7-RELATED, ATYPICAL; PEX7-Related Refsum Disease; Refsum disease, adult, 2. Identifiers: Orphanet 773, MedGen C2749346, MONDO:0013945, OMIM 614879.

Allele frequency attached by ClinVar (database versions not stated): gnomAD exomes 0.00005 and 0.00018; gnomAD 0.00049 and 0.00052; TOPMed 0.00050; 1000 Genomes Project 30x 0.00062; ExAC 0.00095.
gnomAD v4.1: 133 of 1,316,912 alleles (0.01%); highest among the groups gnomAD compares: African/African-American, 0.14%; no homozygotes.

Submissions (6):

Mayo Clinic Laboratories, Mayo Clinic
Classification: Uncertain significance. Last evaluated: 2025-05-06. Review status: criteria provided, single submitter. Criteria: ACMG Guidelines, 2015. Collection method: clinical testing. Allele origin: germline. Observed: 5 variant alleles.

Ambry Genetics
Classification: Likely benign for Inborn genetic diseases. Last evaluated: 2024-10-27. Review status: criteria provided, single submitter. Criteria: Ambry Variant Classification Scheme 2023. Collection method: clinical testing. Allele origin: germline.

Labcorp Genetics (formerly Invitae), Labcorp
Classification: Uncertain significance for Peroxisome biogenesis disorder 9B. Last evaluated: 2022-09-07. Review status: criteria provided, single submitter. Criteria: Invitae Variant Classification Sherloc (09022015). Collection method: clinical testing. Allele origin: germline.
Comment: This sequence change replaces alanine, which is neutral and non-polar, with valine, which is neutral and non-polar, at codon 43 of the PEX7 protein (p.Ala43Val). This variant is present in population databases (rs780369944, gnomAD 0.2%). This variant has not been reported in the literature in individuals affected with PEX7-related conditions. ClinVar contains an entry for this variant (Variation ID: 850298). Algorithms developed to predict the effect of missense changes on protein structure and function (SIFT, PolyPhen-2, Align-GVGD) all suggest that this variant is likely to be tolerated. Algorithms developed to predict the effect of sequence changes on RNA splicing suggest that this variant may create or strengthen a splice site. In summary, the available evidence is currently insufficient to determine the role of this variant in disease. Therefore, it has been classified as a Variant of Uncertain Significance.

Genome Diagnostics Laboratory, The Hospital for Sick Children
Classification: Uncertain significance for Connective tissue disorder. Last evaluated: 2021-06-22. Review status: criteria provided, single submitter. Criteria: ACMG Guidelines, 2015. Collection method: clinical testing. Allele origin: germline.

PreventionGenetics, part of Exact Sciences
Classification: Likely benign for PEX7-related condition. Last evaluated: 2024-05-22. Review status: no assertion criteria provided. Collection method: clinical testing. Allele origin: germline. Not counted in ClinVar's aggregate classification.
Comment: This variant is classified as likely benign based on ACMG/AMP sequence variant interpretation guidelines (Richards et al. 2015 PMID: 25741868, with internal and published modifications).

Natera, Inc.
Classification: Uncertain significance for Rhizomelic chondrodysplasia punctata type 1. Last evaluated: 2020-01-24. Review status: no assertion criteria provided. Collection method: clinical testing. Allele origin: germline. Not counted in ClinVar's aggregate classification.

NM_000288.4(PEX7):c.128C>T (p.Ala43Val)

Gene: PEX7 (peroxisomal biogenesis factor 7; plus strand). Cytogenetic location: 6q23.3.
Variant type: single nucleotide variant.
Coding change: c.128C>T on transcript NM_000288.4 (MANE Select); coding-DNA position 128, C replaced by T.
Protein change: p.Ala43Val; replaces alanine 43 with valine.
Molecular consequence: missense variant.
Genome position (GRCh38, 1-based): chr6:136,822,793, C>T. VCF-style: chr6-136822793-C-T. GRCh37 (hg19) VCF-style: chr6-137143931-C-T.
Other names: p.Ala43Val; short protein forms A43V.
Identifiers: ClinVar variation 850298 (VCV000850298.13), dbSNP rs780369944, ClinGen allele CA4017486.